The following is an entry in ClinVar:

NM_001983.4(ERCC1):c.703-2A>G

Gene: ERCC1 (ERCC excision repair 1, endonuclease non-catalytic subunit; minus strand). Cytogenetic location: 19q13.32.
Variant type: single nucleotide variant.
Coding change: c.703-2A>G on transcript NM_001983.4 (MANE Select); the canonical splice acceptor site of the intron before coding-DNA position 703, A replaced by G.
Molecular consequence: splice acceptor variant. On other transcripts: intron variant (6).
Genome position (GRCh38, 1-based): chr19:45,414,036, T>C on the plus strand (A>G on the coding strand, the complement: ERCC1 is on the minus strand). VCF-style: chr19-45414036-T-C. GRCh37 (hg19) VCF-style: chr19-45917294-T-C.
Other names: c.703-2A>G (NM_001369412.1, NM_001369413.1, NM_001369414.1 and 5 more transcripts); c.703-291A>G (NM_001369417.1, NM_001369418.1, NM_001166049.2 and 3 more transcripts).
Identifiers: ClinVar variation 1208249 (VCV001208249.3), dbSNP rs749328536, ClinGen allele CA9515319.

ClinVar aggregate classification (germline): Likely pathogenic (1 of 4 stars; one submission).

Allele frequency attached by ClinVar (database versions not stated): ExAC 0.00001; gnomAD 0.00001; gnomAD exomes 0.00001; TOPMed 0.00003.

Submission:

GeneDx
Classification: Likely pathogenic. Last evaluated: 2021-08-12. Review status: criteria provided, single submitter. Criteria: GeneDx Variant Classification Process June 2021. Collection method: clinical testing. Allele origin: germline. Affected: yes.
Comment: Has not been previously published as pathogenic or benign to our knowledge; Canonical splice site variant expected to result in aberrant splicing, although in the absence of functional evidence the actual effect of this sequence change is unknown.; Not observed at a significant frequency in large population cohorts (Lek et al., 2016)